The following is an entry in ClinVar:

NM_022168.4(IFIH1):c.1092T>G (p.Asn364Lys)

Gene: IFIH1 (interferon induced with helicase C domain 1; minus strand). Cytogenetic location: 2q24.2.
Variant type: single nucleotide variant.
Coding change: c.1092T>G on transcript NM_022168.4 (MANE Select); coding-DNA position 1092, T replaced by G.
Protein change: p.Asn364Lys; replaces asparagine 364 with lysine.
Molecular consequence: missense variant.
Genome position (GRCh38, 1-based): chr2:162,288,138, A>C on the plus strand (T>G on the coding strand, the complement: IFIH1 is on the minus strand). VCF-style: chr2-162288138-A-C. GRCh37 (hg19) VCF-style: chr2-163144648-A-C.
Other names: short protein forms N364K.
Identifiers: ClinVar variation 4279537 (VCV004279537.1).

ClinVar aggregate classification (germline): Uncertain significance (1 of 4 stars; one submission).

Conditions:
Aicardi-Goutieres syndrome 7 (AGS7). Identifiers: Orphanet 51, MedGen C3888244, MONDO:0014367, OMIM 615846.

Submission:

Department of Paediatrics at Addenbrookes, Cambridge University Hospitals NHS Foundation Trust (UK)
Classification: Uncertain significance for Aicardi-Goutieres syndrome 7. Last evaluated: 2025-05-27. Review status: criteria provided, single submitter. Criteria: Durkie Uk Practice Guidelines For Variant Classification V12 2024 (1). Collection method: clinical testing. Allele origin: unknown.
Comment: PM2_Moderate; BP4_Supporting